The following is an entry in ClinVar:

ClinVar aggregate classification (germline): Uncertain significance. Review status: criteria provided, multiple submitters, no conflicts (2 of 4 stars). 2 submissions from 2 submitters: Uncertain significance (2). Last evaluated 2025-09-28.

Conditions:
Inborn genetic diseases. Identifiers: MedGen C0950123, MeSH D030342.
Immunodeficiency 104. Also called: SCID, AUTOSOMAL RECESSIVE, T CELL-NEGATIVE, B CELL-POSITIVE, NK CELL-POSITIVE; Severe Combined Immune Deficiency, Autosomal Recessive, TCell -Negative, B Cell-Positive, NK Cell-Positive, IL7R-Related; Severe combined immunodeficiency, autosomal recessive, T cell-negative, B cell-positive, NK cell-positive; IMMUNODEFICIENCY 104, SEVERE COMBINED. Identifiers: MedGen C5676890, MONDO:0012163, OMIM 608971.

Allele frequency attached by ClinVar (database versions not stated): gnomAD 0.00001; TOPMed 0.00001; ExAC 0.00002; gnomAD exomes 0.00002.

Submissions (2):

Ambry Genetics
Classification: Uncertain significance for Inborn genetic diseases. Last evaluated: 2025-09-28. Review status: criteria provided, single submitter. Criteria: Ambry Variant Classification Scheme 2023. Collection method: clinical testing. Allele origin: germline.

Labcorp Genetics (formerly Invitae), Labcorp
Classification: Uncertain significance for Immunodeficiency 104. Last evaluated: 2022-08-09. Review status: criteria provided, single submitter. Criteria: Invitae Variant Classification Sherloc (09022015). Collection method: clinical testing. Allele origin: germline.
Comment: This sequence change replaces alanine, which is neutral and non-polar, with threonine, which is neutral and polar, at codon 60 of the PTPRC protein (p.Ala60Thr). This variant is present in population databases (rs774680729, gnomAD 0.006%). This variant has not been reported in the literature in individuals affected with PTPRC-related conditions. ClinVar contains an entry for this variant (Variation ID: 1044126). Algorithms developed to predict the effect of missense changes on protein structure and function output the following: SIFT: "Tolerated"; PolyPhen-2: "Benign"; Align-GVGD: "Class C0". The threonine amino acid residue is found in multiple mammalian species, which suggests that this missense change does not adversely affect protein function. In summary, the available evidence is currently insufficient to determine the role of this variant in disease. Therefore, it has been classified as a Variant of Uncertain Significance.

NM_002838.5(PTPRC):c.178G>A (p.Ala60Thr)

Gene: PTPRC (protein tyrosine phosphatase receptor type C; plus strand). Cytogenetic location: 1q31.3.
Variant type: single nucleotide variant.
Coding change: c.178G>A on transcript NM_002838.5 (MANE Select); coding-DNA position 178, G replaced by A.
Protein change: p.Ala60Thr; replaces alanine 60 with threonine.
Molecular consequence: missense variant. On other transcripts: intron variant (1).
Genome position (GRCh38, 1-based): chr1:198,696,789, G>A. VCF-style: chr1-198696789-G-A. GRCh37 (hg19) VCF-style: chr1-198665918-G-A.
Other names: c.100+4416G>A (NM_080921.4); c.172G>A (NM_002838.3); short protein forms A60T.
Identifiers: ClinVar variation 1044126 (VCV001044126.10), dbSNP rs774680729, ClinGen allele CA1314425.